The following is an entry in ClinVar:

ClinVar aggregate classification (germline): Benign. Review status: criteria provided, multiple submitters, no conflicts (2 of 4 stars). 3 submissions from 3 submitters: Benign (3). Last evaluated 2024-01-24.

Allele frequency attached by ClinVar (database versions not stated): gnomAD exomes 0.44173; gnomAD 0.52757 and 0.52794; TOPMed 0.54913; 1000 Genomes Project 0.60603; 1000 Genomes Project 30x 0.60853.
gnomAD v4.1: 666,471 of 1,475,938 alleles (45%); highest among the groups gnomAD compares: African/African-American, 72%; 157,267 homozygotes.

Submissions (3):

Unidad de Genómica Garrahan, Hospital de Pediatría Garrahan
Classification: Benign. Last evaluated: 2024-01-24. Review status: criteria provided, single submitter. Criteria: ACMG Guidelines, 2015. Collection method: clinical testing. Allele origin: germline. Affected: no. Observed: 23 variant alleles.
Comment: This variant is classified as Benign based on local population frequency. This variant was detected in 26% of patients studied by a panel of primary immunodeficiencies. Number of patients: 23. Only high quality variants are reported.

GeneDx
Classification: Benign. Last evaluated: 2018-07-09. Review status: criteria provided, single submitter. Criteria: GeneDx Variant Classification Process June 2021. Collection method: clinical testing. Allele origin: germline. Affected: yes.

Breakthrough Genomics
Classification: Benign. Review status: criteria provided, single submitter. Criteria: ACMG Guidelines, 2015. Collection method: not provided. Allele origin: germline. Inheritance: Autosomal recessive inheritance. Affected: yes.

NM_001127198.5(TMC6):c.1887+77C>A

Gene: TMC6 (transmembrane channel like 6; minus strand). Cytogenetic location: 17q25.3.
Variant type: single nucleotide variant.
Coding change: c.1887+77C>A on transcript NM_001127198.5 (MANE Select); 77 bases into the intron after coding-DNA position 1887, C replaced by A.
Molecular consequence: intron variant.
Genome position (GRCh38, 1-based): chr17:78,118,894, G>T on the plus strand (C>A on the coding strand, the complement: TMC6 is on the minus strand). VCF-style: chr17-78118894-G-T. GRCh37 (hg19) VCF-style: chr17-76114975-G-T.
Other names: c.1707+77C>A (NM_001374594.1, NM_001374593.1); c.1887+77C>A (NM_001374596.1, NM_007267.7, NM_001321185.1 and 2 more transcripts).
Identifiers: ClinVar variation 1288318 (VCV001288318.4), dbSNP rs2748429, ClinGen allele CA14388533.